The following is an entry in ClinVar:

NM_001365068.1(ASTN2):c.1208C>G (p.Ser403Ter)

Genes: ASTN2 (astrotactin 2; minus strand), LOC126860748 (MED14-independent group 3 enhancer GRCh37_chr9:119857782-119858981; plus strand). Cytogenetic location: 9q33.1.
Variant type: single nucleotide variant.
Coding change: c.1208C>G on transcript NM_001365068.1 (MANE Select); coding-DNA position 1208, C replaced by G.
Protein change: p.Ser403Ter; replaces serine 403 with a stop codon.
Molecular consequence: nonsense.
Genome position (GRCh38, 1-based): chr9:117,096,112, G>C on the plus strand (C>G on the coding strand, the complement: ASTN2 is on the minus strand). VCF-style: chr9-117096112-G-C. GRCh37 (hg19) VCF-style: chr9-119858391-G-C.
Other names: c.1208C>G, p.Ser403Ter (NM_001365069.1); c.1055C>G, p.Ser352Ter (NM_014010.5); short protein forms S352*, S403*.
Identifiers: ClinVar variation 2631131 (VCV002631131.1), dbSNP rs767775629, ClinGen allele CA374695925.

ClinVar aggregate classification (germline): Uncertain significance (1 of 4 stars; one submission).

Conditions:
ASTN2-related disorder. Also called: ASTN2-related condition.

Submission:

PreventionGenetics, part of Exact Sciences
Classification: Uncertain significance for ASTN2-related condition. Last evaluated: 2023-09-28. Review status: criteria provided, single submitter. Criteria: ACMG Guidelines, 2015. Collection method: clinical testing. Allele origin: germline.
Comment: The ASTN2 c.1055C>G variant is predicted to result in premature protein termination (p.Ser352*). To our knowledge, this variant has not been reported in the literature or in a large population database, indicating this variant is rare. Of note, loss of function variants in ASTN2 have not conclusively been associated with disease. At this time, the clinical significance of this variant is uncertain due to the absence of conclusive functional and genetic evidence.